The following is an entry in ClinVar:

ClinVar aggregate classification (germline): Uncertain significance (1 of 4 stars; one submission).

Conditions:
Glycogen storage disease, type II (IOPD). Also called: Pompe Disease; CARDIOMEGALIA GLYCOGENICA DIFFUSA; GLYCOGENOSIS, GENERALIZED, CARDIAC FORM; GSD II; POMPE DISEASE, INFANTILE-ONSET; GLYCOGEN STORAGE DISEASE II, INFANTILE-ONSET. Identifiers: Orphanet 365, MedGen C0017921, MONDO:0009290, OMIM 232300.

Submission:

Genomenon, Inc
Classification: Uncertain significance for Glycogen storage disease, type II. Last evaluated: 2026-07-01. Review status: criteria provided, single submitter. Criteria: Genomenon Sequence Variant Interpretation Standards - Updated. Collection method: curation. Allele origin: germline. Affected: no.
Comment: GAA p.Ser523Tyr (c.1568C>A) is a missense variant that changes the amino acid at codon 523 from Serine to Tyrosine. This variant has been reported in the published literature (PMID:22644586;30281819). At least one functional study has demonstrated a substantial alteration in protein function relative to the wild-type (PMID:22644586). It is absent or not present at a significant frequency in gnomAD. In silico models predict that this variant is possibly or probably damaging. In conclusion, we classify GAA p.Ser523Tyr (c.1568C>A) as a variant of uncertain significance.

Literature cited by the submitters: PubMed 22644586; PubMed 30281819.

NM_000152.5(GAA):c.1568C>A (p.Ser523Tyr)

Gene: GAA (alpha glucosidase; plus strand). Cytogenetic location: 17q25.3.
Variant type: single nucleotide variant.
Coding change: c.1568C>A on transcript NM_000152.5 (MANE Select); coding-DNA position 1568, C replaced by A.
Protein change: p.Ser523Tyr; replaces serine 523 with tyrosine.
Molecular consequence: missense variant.
Genome position (GRCh38, 1-based): chr17:80,110,957, C>A. VCF-style: chr17-80110957-C-A. GRCh37 (hg19) VCF-style: chr17-78084756-C-A.
Other names: c.1568C>A, p.Ser523Tyr (NM_001079803.3, NM_001079804.3, NM_001406741.1 and 1 more transcripts); short protein forms S523Y.
Identifiers: ClinVar variation 4876256 (VCV004876256.1).